The following is an entry in ClinVar:

NM_178857.6(RP1L1):c.7149C>A (p.Pro2383=)

Gene: RP1L1 (RP1 like 1). Cytogenetic location: 8p23.1.
Variant type: single nucleotide variant.
Coding change: c.7149C>A on transcript NM_178857.6 (MANE Select); coding-DNA position 7149, C replaced by A.
Protein change: p.Pro2383=; no amino-acid change (proline 2383 retained).
Molecular consequence: synonymous variant.
Genome position (GRCh38, 1-based): chr8:10,606,949, G>T on the plus strand (C>A on the coding strand, the complement: RP1L1 is on the minus strand). VCF-style: chr8-10606949-G-T. GRCh37 (hg19) VCF-style: chr8-10464459-G-T.
Identifiers: ClinVar variation 910031 (VCV000910031.6), dbSNP rs777397791, ClinGen allele CA4623061.

ClinVar aggregate classification (germline): Conflicting classifications of pathogenicity. Review status: criteria provided, conflicting classifications (1 of 4 stars). 3 submissions from 3 submitters: Uncertain significance (1); Likely benign (2). Last evaluated 2026-03-05.

Conditions:
RP1L1-related disorder. Also called: RP1L1-related condition.
Occult macular dystrophy (OCMD). Also called: OMD; OCCULT MACULAR DYSTROPHY, SUSCEPTIBILITY TO. Identifiers: Orphanet 247834, MedGen C3150833, MONDO:0013316, OMIM 613587, HP:0030636.

Allele frequency attached by ClinVar (database versions not stated): gnomAD 0.00001; TOPMed 0.00001.
gnomAD v4.1: 24 of 1,614,122 alleles (0.0015%); highest among the groups gnomAD compares: Middle Eastern, 0.033%; no homozygotes.

Submissions (3):

PreventionGenetics, part of Exact Sciences
Classification: Likely benign for RP1L1-related condition. Last evaluated: 2026-03-05. Review status: criteria provided, single submitter. Criteria: ACMG Guidelines, 2015. Collection method: clinical testing. Allele origin: germline.
Comment: This variant is classified as likely benign based on ACMG/AMP sequence variant interpretation guidelines (Richards et al. 2015 PMID: 25741868, with internal and published modifications).

Blueprint Genetics
Classification: Likely benign. Last evaluated: 2023-01-12. Review status: criteria provided, single submitter. Criteria: ACMG Guidelines, 2015. Collection method: clinical testing. Allele origin: germline.

Illumina Laboratory Services, Illumina
Classification: Uncertain significance for Occult macular dystrophy. Last evaluated: 2018-01-12. Review status: criteria provided, single submitter. Criteria: ICSL Variant Classification Criteria 13 December 2019. Collection method: clinical testing. Allele origin: germline.